The following is an entry in ClinVar:

NM_001987.5(ETV6):c.158A>G (p.His53Arg)

Gene: ETV6 (ETS variant transcription factor 6; plus strand). Cytogenetic location: 12p13.2.
Variant type: single nucleotide variant.
Coding change: c.158A>G on transcript NM_001987.5 (MANE Select); coding-DNA position 158, A replaced by G.
Protein change: p.His53Arg; replaces histidine 53 with arginine.
Molecular consequence: missense variant.
Genome position (GRCh38, 1-based): chr12:11,752,574, A>G. VCF-style: chr12-11752574-A-G. GRCh37 (hg19) VCF-style: chr12-11905508-A-G.
Other names: short protein forms H53R.
Identifiers: ClinVar variation 1711999 (VCV001711999.4), dbSNP rs1866055526, ClinGen allele CA384041866.

ClinVar aggregate classification (germline): Uncertain significance. Review status: criteria provided, multiple submitters, no conflicts (2 of 4 stars). 3 submissions from 3 submitters: Uncertain significance (3). Last evaluated 2024-12-12.

Conditions:
Inborn genetic diseases. Identifiers: MedGen C0950123, MeSH D030342.

Allele frequency attached by ClinVar (database versions not stated): TOPMed below 0.00001; gnomAD exomes 0.00001.
gnomAD v4.1: 12 of 1,611,882 alleles (0.00074%); highest among the groups gnomAD compares: Non-Finnish European, 0.001%; no homozygotes.

Submissions (3):

Ambry Genetics
Classification: Uncertain significance for Inborn genetic diseases. Last evaluated: 2024-12-12. Review status: criteria provided, single submitter. Criteria: Ambry Variant Classification Scheme 2023. Collection method: clinical testing. Allele origin: germline.
Comment: The p.H53R variant (also known as c.158A>G), located in coding exon 2 of the ETV6 gene, results from an A to G substitution at nucleotide position 158. The histidine at codon 53 is replaced by arginine, an amino acid with highly similar properties. This amino acid position is highly conserved in available vertebrate species. In addition, the in silico prediction for this alteration is inconclusive. Based on the available evidence, the clinical significance of this variant remains unclear.

GeneDx
Classification: Uncertain significance. Last evaluated: 2022-04-20. Review status: criteria provided, single submitter. Criteria: GeneDx Variant Classification Process June 2021. Collection method: clinical testing. Allele origin: germline. Affected: yes.
Comment: Not observed at significant frequency in large population cohorts (gnomAD); In silico analysis supports that this missense variant does not alter protein structure/function; Has not been previously published as pathogenic or benign to our knowledge

Blueprint Genetics
Classification: Uncertain significance. Last evaluated: 2021-02-09. Review status: criteria provided, single submitter. Criteria: ACMG Guidelines, 2015. Collection method: clinical testing. Allele origin: germline.